The following is an entry in ClinVar:

ClinVar aggregate classification (germline): Uncertain significance (1 of 4 stars; one submission).

Conditions:
Multiple endocrine neoplasia type 4. Also called: MULTIPLE ENDOCRINE NEOPLASIA, TYPE IV. Identifiers: Orphanet 276152, MedGen C1970712, MONDO:0012552, OMIM 610755.

Submission:

Labcorp Genetics (formerly Invitae), Labcorp
Classification: Uncertain significance for Multiple endocrine neoplasia type 4. Last evaluated: 2023-09-06. Review status: criteria provided, single submitter. Criteria: Invitae Variant Classification Sherloc (09022015). Collection method: clinical testing. Allele origin: germline.
Comment: This sequence change replaces glutamic acid, which is acidic and polar, with glycine, which is neutral and non-polar, at codon 172 of the CDKN1B protein (p.Glu172Gly). This variant is not present in population databases (gnomAD no frequency). In summary, the available evidence is currently insufficient to determine the role of this variant in disease. Therefore, it has been classified as a Variant of Uncertain Significance. An algorithm developed to predict the effect of missense changes on protein structure and function (PolyPhen-2) suggests that this variant is likely to be disruptive. This variant has not been reported in the literature in individuals affected with CDKN1B-related conditions.

NM_004064.5(CDKN1B):c.515A>G (p.Glu172Gly)

Gene: CDKN1B (cyclin dependent kinase inhibitor 1B; plus strand). Cytogenetic location: 12p13.1.
Variant type: single nucleotide variant.
Coding change: c.515A>G on transcript NM_004064.5 (MANE Select); coding-DNA position 515, A replaced by G.
Protein change: p.Glu172Gly; replaces glutamic acid 172 with glycine.
Molecular consequence: missense variant.
Genome position (GRCh38, 1-based): chr12:12,718,864, A>G. VCF-style: chr12-12718864-A-G. GRCh37 (hg19) VCF-style: chr12-12871798-A-G.
Other names: short protein forms E172G.
Identifiers: ClinVar variation 2757918 (VCV002757918.3), dbSNP rs2497407526, ClinGen allele CA383972864.